The following is an entry in ClinVar:

ClinVar aggregate classification (germline): Uncertain significance (1 of 4 stars; one submission).

Allele frequency attached by ClinVar (database versions not stated): gnomAD exomes below 0.00001; gnomAD 0.00001; TOPMed 0.00001.

Submission:

Labcorp Genetics (formerly Invitae), Labcorp
Classification: Uncertain significance. Last evaluated: 2021-09-24. Review status: criteria provided, single submitter. Criteria: Invitae Variant Classification Sherloc (09022015). Collection method: clinical testing. Allele origin: germline.
Comment: This sequence change replaces phenylalanine with leucine at codon 1668 of the MCM3AP protein (p.Phe1668Leu). The phenylalanine residue is highly conserved and there is a small physicochemical difference between phenylalanine and leucine. This variant is not present in population databases (ExAC no frequency). This variant has not been reported in the literature in individuals with MCM3AP-related conditions. Algorithms developed to predict the effect of missense changes on protein structure and function are either unavailable or do not agree on the potential impact of this missense change (SIFT: "Tolerated"; PolyPhen-2: "Probably Damaging"; Align-GVGD: "Class C0"). In summary, the available evidence is currently insufficient to determine the role of this variant in disease. Therefore, it has been classified as a Variant of Uncertain Significance.

NM_003906.5(MCM3AP):c.5002T>C (p.Phe1668Leu)

Genes: MCM3AP (minichromosome maintenance complex component 3 associated protein; minus strand), MCM3AP-AS1 (MCM3AP antisense RNA 1; plus strand). Cytogenetic location: 21q22.3.
Variant type: single nucleotide variant.
Coding change: c.5002T>C on transcript NM_003906.5 (MANE Select); coding-DNA position 5002, T replaced by C.
Protein change: p.Phe1668Leu; replaces phenylalanine 1668 with leucine.
Molecular consequence: missense variant.
Genome position (GRCh38, 1-based): chr21:46,244,843, A>G on the plus strand (T>C on the coding strand, the complement: MCM3AP is on the minus strand). VCF-style: chr21-46244843-A-G. GRCh37 (hg19) VCF-style: chr21-47664757-A-G.
Other names: short protein forms F1668L.
Identifiers: ClinVar variation 1431107 (VCV001431107.5), dbSNP rs1002285434, ClinGen allele CA321977604.